The following is an entry in ClinVar:

NM_012213.3(MLYCD):c.1005del (p.Lys336fs)

Gene: MLYCD (malonyl-CoA decarboxylase; plus strand). Cytogenetic location: 16q23.3.
Variant type: Deletion.
Coding change: c.1005del on transcript NM_012213.3 (MANE Select); coding-DNA position 1005, one base deleted (C; older notation c.1005delC).
Protein change: p.Lys336fs; shifts the reading frame from lysine 336.
Molecular consequence: frameshift variant.
Genome position (GRCh38, 1-based): chr16:83,915,012, C deleted; the last of 2 consecutive C bases (chr16:83,915,011-83,915,012); deleting either gives the same sequence. VCF-style (leftmost placement, unchanged base first): chr16-83915010-AC-A. GRCh37 (hg19) VCF-style: chr16-83948615-AC-A.
Other names: c.1005delC, p.Lys336Asnfs (NM_012213.2); short protein forms K336fs.
Identifiers: ClinVar variation 3625430 (VCV003625430.3).

ClinVar aggregate classification (germline): Pathogenic (1 of 4 stars; one submission).

Conditions:
Deficiency of malonyl-CoA decarboxylase. Also called: Malonic aciduria; MCD deficiency. Identifiers: Orphanet 943, MedGen C0342793, MONDO:0009556, OMIM 248360.

Submission:

Labcorp Genetics (formerly Invitae), Labcorp
Classification: Pathogenic for Deficiency of malonyl-CoA decarboxylase. Last evaluated: 2024-03-24. Review status: criteria provided, single submitter. Criteria: Invitae Variant Classification Sherloc (09022015). Collection method: clinical testing. Allele origin: germline.
Comment: This sequence change creates a premature translational stop signal (p.Lys336Asnfs*7) in the MLYCD gene. While this is not anticipated to result in nonsense mediated decay, it is expected to disrupt the last 158 amino acid(s) of the MLYCD protein. This variant is not present in population databases (gnomAD no frequency). This variant has not been reported in the literature in individuals affected with MLYCD-related conditions. This variant disrupts a region of the MLYCD protein in which other variant(s) (p.Trp384_Gln386del ) have been determined to be pathogenic (PMID: 12955715). This suggests that this is a clinically significant region of the protein, and that variants that disrupt it are likely to be disease-causing. For these reasons, this variant has been classified as Pathogenic.

Literature cited by the submitters: PubMed 12955715.